The following is an entry in ClinVar:

NM_016169.4(SUFU):c.238C>A (p.Pro80Thr)

Gene: SUFU (SUFU negative regulator of hedgehog signaling; plus strand). Cytogenetic location: 10q24.32.
Variant type: single nucleotide variant.
Coding change: c.238C>A on transcript NM_016169.4 (MANE Select); coding-DNA position 238, C replaced by A.
Protein change: p.Pro80Thr; replaces proline 80 with threonine.
Molecular consequence: missense variant.
Genome position (GRCh38, 1-based): chr10:102,509,224, C>A. VCF-style: chr10-102509224-C-A. GRCh37 (hg19) VCF-style: chr10-104268981-C-A.
Other names: c.238C>A, p.Pro80Thr (NM_001178133.2); short protein forms P80T.
Identifiers: ClinVar variation 1714053 (VCV001714053.6), dbSNP rs2062368759, ClinGen allele CA377888616.

ClinVar aggregate classification (germline): Uncertain significance (1 of 4 stars; one submission).

Conditions:
Gorlin syndrome. Also called: Nevoid Basal Cell Carcinoma Syndrome; Basal cell nevus syndrome. Identifiers: Orphanet 377, MedGen C0004779, MONDO:0007187.
Medulloblastoma (MDB). Also called: MEDULLOBLASTOMA PREDISPOSITION SYNDROME; Medulloblastoma, somatic. Identifiers: Orphanet 616, MedGen C0025149, MeSH D008527, MONDO:0007959, OMIM 155255, HP:0002885.

Submission:

Labcorp Genetics (formerly Invitae), Labcorp
Classification: Uncertain significance for Gorlin syndrome; Medulloblastoma. Last evaluated: 2022-07-28. Review status: criteria provided, single submitter. Criteria: Invitae Variant Classification Sherloc (09022015). Collection method: clinical testing. Allele origin: germline.
Comment: In summary, the available evidence is currently insufficient to determine the role of this variant in disease. Therefore, it has been classified as a Variant of Uncertain Significance. Algorithms developed to predict the effect of missense changes on protein structure and function (SIFT, PolyPhen-2, Align-GVGD) all suggest that this variant is likely to be tolerated. This variant has not been reported in the literature in individuals affected with SUFU-related conditions. This variant is not present in population databases (gnomAD no frequency). This sequence change replaces proline, which is neutral and non-polar, with threonine, which is neutral and polar, at codon 80 of the SUFU protein (p.Pro80Thr).